The following is an entry in ClinVar:

NM_133459.4(CCBE1):c.*19C>T

Gene: CCBE1 (collagen and calcium binding EGF domains 1; minus strand). Cytogenetic location: 18q21.32.
Variant type: single nucleotide variant.
Coding change: c.*19C>T on transcript NM_133459.4 (MANE Select); 19 bases downstream of the stop codon, C replaced by T.
Molecular consequence: 3 prime UTR variant.
Genome position (GRCh38, 1-based): chr18:59,435,889, G>A on the plus strand (C>T on the coding strand, the complement: CCBE1 is on the minus strand). VCF-style: chr18-59435889-G-A. GRCh37 (hg19) VCF-style: chr18-57103121-G-A.
Other names: c.*19C>T (LRG_1209t1).
Identifiers: ClinVar variation 327701 (VCV000327701.7), dbSNP rs376780422, ClinGen allele CA8980139.

ClinVar aggregate classification (germline): Likely benign (0 of 4 stars; one submission).

Conditions:
CCBE1-related disorder. Also called: CCBE1-related condition.

Allele frequency attached by ClinVar (database versions not stated): gnomAD 0.00006; ESP Exome Variant Server 0.00008; TOPMed 0.00014.

Submission:

PreventionGenetics, part of Exact Sciences
Classification: Likely benign for CCBE1-related condition. Last evaluated: 2021-09-19. Review status: no assertion criteria provided. Collection method: clinical testing. Allele origin: germline.
Comment: This variant is classified as likely benign based on ACMG/AMP sequence variant interpretation guidelines (Richards et al. 2015 PMID: 25741868, with internal and published modifications).